The following is an entry in ClinVar:

NM_000051.4(ATM):c.3154-5C>T

Gene: ATM (ATM serine/threonine kinase; plus strand). Cytogenetic location: 11q22.3.
Variant type: single nucleotide variant.
Coding change: c.3154-5C>T on transcript NM_000051.4 (MANE Select); 5 bases into the intron before coding-DNA position 3154, C replaced by T.
Molecular consequence: intron variant.
Genome position (GRCh38, 1-based): chr11:108,272,717, C>T. VCF-style: chr11-108272717-C-T. GRCh37 (hg19) VCF-style: chr11-108143444-C-T.
Other names: p.?; c.3154-5C>T (NM_001351834.2).
Identifiers: ClinVar variation 141292 (VCV000141292.41), dbSNP rs55719759, ClinGen allele CA165018.

ClinVar aggregate classification (germline): Conflicting classifications of pathogenicity. Review status: criteria provided, conflicting classifications (1 of 4 stars). 13 submissions from 13 submitters: Uncertain significance (2); Benign (2); Likely benign (9). Last evaluated 2026-03-25.

Conditions:
ATM-related cancer predisposition. Also called: ATM-related cancer susceptibility. Identifiers: MedGen CN377759, MONDO:0700270.
Hereditary cancer-predisposing syndrome. Also called: Neoplastic Syndromes, Hereditary; Hereditary Cancer Syndrome; Tumor predisposition; Hereditary neoplastic syndrome. Identifiers: Orphanet 140162, MedGen C0027672, MeSH D009386, MONDO:0015356.
Ataxia-telangiectasia syndrome (AT). Also called: LOUIS-BAR SYNDROME; Cerebello-oculocutaneous telangiectasia; Immunodeficiency with ataxia telangiectasia; Ataxia-telangiectasia, complementation group D; AT, COMPLEMENTATION GROUP C; ATAXIA-TELANGIECTASIA, COMPLEMENTATION GROUP A. Identifiers: Orphanet 100, MedGen C0004135, MONDO:0008840, OMIM 208900.
Familial cancer of breast. Also called: BREAST CANCER, FAMILIAL; Hereditary breast cancer; hereditary breast carcinoma. Identifiers: Orphanet 227535, MedGen C0346153, MONDO:0016419, OMIM 114480. Disease mechanism: loss of function.

Allele frequency attached by ClinVar (database versions not stated): gnomAD exomes 0.00003; gnomAD 0.00003 and 0.00004; TOPMed 0.00005; ExAC 0.00002.
gnomAD v4.1: 79 of 1,613,646 alleles (0.0049%); highest among the groups gnomAD compares: East Asian, 0.11%; no homozygotes.

Submissions (13):

Dasa
Classification: Likely benign for ATM-related cancer predisposition. Last evaluated: 2026-03-25. Review status: criteria provided, single submitter. Criteria: DASA Assertion Criteria. Collection method: clinical testing. Allele origin: germline.
Comment: NM_000051.4(ATM):c.3154-5C>T is a splice-region variant. Population frequency is inconsistent with a disease-causing role for this variant. Computational prediction algorithms are consistent with a benign effect. Therefore, based on the currently available evidence, this variant is classified as likely benign.

Labcorp Genetics (formerly Invitae), Labcorp
Classification: Likely benign for Ataxia-telangiectasia syndrome. Last evaluated: 2026-02-02. Review status: criteria provided, single submitter. Criteria: Invitae Variant Classification Sherloc (09022015). Collection method: clinical testing. Allele origin: germline.

Quest Diagnostics Nichols Institute San Juan Capistrano
Classification: Likely benign. Last evaluated: 2025-02-03. Review status: criteria provided, single submitter. Criteria: Quest Diagnostics criteria. Collection method: clinical testing. Allele origin: unknown.

Mayo Clinic Laboratories, Mayo Clinic
Classification: Likely benign. Last evaluated: 2025-01-27. Review status: criteria provided, single submitter. Criteria: ACMG Guidelines, 2015. Collection method: clinical testing. Allele origin: germline. Observed: 1 variant allele.
Comment: BS1, BP4

Myriad Genetics, Inc.
Classification: Likely benign for Familial cancer of breast. Last evaluated: 2024-05-13. Review status: criteria provided, single submitter. Criteria: Myriad Autosomal Dominant, Autosomal Recessive and X-Linked Classification Criteria (2023). Collection method: clinical testing. Allele origin: unknown.
Comment: This variant is considered likely benign. This variant is intronic and is not expected to impact mRNA splicing.

Mendelics
Classification: Benign for Ataxia-telangiectasia syndrome. Last evaluated: 2023-08-22. Review status: criteria provided, single submitter. Criteria: Mendelics Assertion Criteria 2019. Collection method: clinical testing. Allele origin: germline.

Department of Pathology and Laboratory Medicine, Sinai Health System
Classification: Likely benign for Familial cancer of breast; Ataxia-telangiectasia syndrome. Last evaluated: 2023-04-11. Review status: criteria provided, single submitter. Criteria: ACMG Guidelines, 2015. Collection method: clinical testing. Allele origin: germline. Affected: no.

Women's Health and Genetics/Laboratory Corporation of America, LabCorp
Classification: Likely benign. Last evaluated: 2023-03-13. Review status: criteria provided, single submitter. Criteria: LabCorp Variant Classification Summary - May 2015. Collection method: clinical testing. Allele origin: germline.
Comment: Variant summary: ATM c.3154-5C>T alters a non-conserved nucleotide located close to a canonical splice site and therefore could affect mRNA splicing, leading to a significantly altered protein sequence. 4/4 computational tools predict no significant impact on normal splicing. However, these predictions have yet to be confirmed by functional studies. The variant allele was found at a frequency of 0.00047 in 328526 control chromosomes, predominantly in Japanese population (0.0019). This frequency is slightly higher than estimated for a pathogenic variant in ATM causing Breast Cancer (0.001), suggesting this variant may be benign. c.3154-5C>T has been reported in the literature in individuals affected with Breast Cancer. These reports do not provide unequivocal conclusions about association of the variant with Breast Cancer. To our knowledge, no experimental evidence demonstrating an impact on protein function has been reported. Seven clinical diagnostic laboratories have submitted clinical-significance assessments for this variant to ClinVar after 2014 without evidence for independent evaluation. Multiple laboratories reported the variant with conflicting assessments (benign/likely benign n=4, VUS n=3). Based on the evidence outlined above, the variant was classified as likely benign.

Athena Diagnostics
Classification: Uncertain significance. Last evaluated: 2022-06-14. Review status: criteria provided, single submitter. Criteria: Athena Diagnostics Criteria. Collection method: clinical testing. Allele origin: unknown.

Sema4
Classification: Uncertain significance for Hereditary cancer-predisposing syndrome. Last evaluated: 2021-08-06. Review status: criteria provided, single submitter. Criteria: Sema4 Curation Guidelines. Collection method: curation. Allele origin: germline.
Comment: The ATM c.3154-5C>T variant has been reported in individuals undergoing multigene hereditary-cancer testing (PMID: 27720647, 28440963). It was observed in 3/18370 chromosomes in the East Asian subpopulation in the large and broad cohorts of the Genome Aggregation Database (PMID: 32461654). The variant has been reported in ClinVar (Variation ID: 141292). In silico tools suggest the variant may not affect splicing, though these predictions have not been confirmed by functional studies. The evidence is insufficient to meet ACMG/AMP criteria for classifying the variant as benign or pathogenic. Thus, the clinical significance of this variant is currently uncertain.

Ambry Genetics
Classification: Likely benign for Hereditary cancer-predisposing syndrome. Last evaluated: 2018-10-19. Review status: criteria provided, single submitter. Criteria: Ambry Variant Classification Scheme 2023. Collection method: clinical testing. Allele origin: germline.

Color Diagnostics, LLC DBA Color Health
Classification: Likely benign for Hereditary cancer-predisposing syndrome. Last evaluated: 2015-04-14. Review status: criteria provided, single submitter. Criteria: ACMG Guidelines, 2015. Collection method: clinical testing. Allele origin: germline.

GeneDx
Classification: Benign. Last evaluated: 2015-03-03. Review status: criteria provided, single submitter. Criteria: GeneDx Variant Classification Process June 2021. Collection method: clinical testing. Allele origin: germline. Affected: yes.
Comment: This variant is associated with the following publications: (PMID: 29338689)

Literature cited by the submitters: PubMed 27720647 (cited by 4 submitters); PubMed 28440963 (cited by 3 submitters).